The following is an entry in ClinVar:

ClinVar aggregate classification (germline): Uncertain significance (1 of 4 stars; one submission).

gnomAD v4.1: 1 of 1,597,376 alleles (0.000063%); no homozygotes.

Submission:

Labcorp Genetics (formerly Invitae), Labcorp
Classification: Uncertain significance. Last evaluated: 2022-09-12. Review status: criteria provided, single submitter. Criteria: Invitae Variant Classification Sherloc (09022015). Collection method: clinical testing. Allele origin: germline.
Comment: This sequence change replaces arginine, which is basic and polar, with glycine, which is neutral and non-polar, at codon 9 of the UBE3B protein (p.Arg9Gly). This variant is not present in population databases (gnomAD no frequency). This variant has not been reported in the literature in individuals affected with UBE3B-related conditions. Advanced modeling of protein sequence and biophysical properties (such as structural, functional, and spatial information, amino acid conservation, physicochemical variation, residue mobility, and thermodynamic stability) performed at Invitae indicates that this missense variant is not expected to disrupt UBE3B protein function. In summary, the available evidence is currently insufficient to determine the role of this variant in disease. Therefore, it has been classified as a Variant of Uncertain Significance.

NM_130466.4(UBE3B):c.25A>G (p.Arg9Gly)

Gene: UBE3B (ubiquitin protein ligase E3B; plus strand). Cytogenetic location: 12q24.11.
Variant type: single nucleotide variant.
Coding change: c.25A>G on transcript NM_130466.4 (MANE Select); coding-DNA position 25, A replaced by G.
Protein change: p.Arg9Gly; replaces arginine 9 with glycine.
Molecular consequence: missense variant.
Genome position (GRCh38, 1-based): chr12:109,483,576, A>G. VCF-style: chr12-109483576-A-G. GRCh37 (hg19) VCF-style: chr12-109921381-A-G.
Other names: c.25A>G, p.Arg9Gly (NM_001270449.2, NM_001270450.2, NM_001270451.2 and 1 more transcripts); short protein forms R9G.
Identifiers: ClinVar variation 2102111 (VCV002102111.4), dbSNP rs2548449053, ClinGen allele CA386628598.